The following is an entry in ClinVar:

NM_006017.3(PROM1):c.2450A>G (p.Lys817Arg)

Gene: PROM1 (prominin 1; minus strand). Cytogenetic location: 4p15.32.
Variant type: single nucleotide variant.
Coding change: c.2450A>G on transcript NM_006017.3 (MANE Select); coding-DNA position 2450, A replaced by G.
Protein change: p.Lys817Arg; replaces lysine 817 with arginine.
Molecular consequence: missense variant.
Genome position (GRCh38, 1-based): chr4:15,980,461, T>C on the plus strand (A>G on the coding strand, the complement: PROM1 is on the minus strand). VCF-style: chr4-15980461-T-C. GRCh37 (hg19) VCF-style: chr4-15982084-T-C.
Other names: c.2423A>G, p.Lys808Arg (NM_001145847.2, NM_001145848.2, NM_001145851.2 and 4 more transcripts); c.2450A>G, p.Lys817Arg (NM_001145849.2, NM_001145850.2); short protein forms K817R, K808R.
Identifiers: ClinVar variation 560485 (VCV000560485.8), dbSNP rs1231060253, ClinGen allele CA356426553.

ClinVar aggregate classification (germline): Uncertain significance. Review status: criteria provided, single submitter (1 of 4 stars). 3 submissions from 3 submitters: Uncertain significance (1). 2 of the submissions do not count toward it. Last evaluated 2022-10-19.

Conditions:
Retinitis pigmentosa 41 (RP41). Also called: RETINAL DEGENERATION, AUTOSOMAL RECESSIVE, PROMININ-RELATED. Identifiers: Orphanet 791, MedGen C2677516, MONDO:0012796, OMIM 612095.
Retinal dystrophy. Also called: Inherited retinal dystrophy. Identifiers: Orphanet 71862, MedGen C0854723, MeSH D058499, MONDO:0019118, HP:0000556.

Allele frequency attached by ClinVar (database versions not stated): gnomAD exomes below 0.00001 and 0.00001; TOPMed below 0.00001; gnomAD 0.00001 and 0.00002.
gnomAD v4.1: 7 of 1,556,364 alleles (0.00045%); highest among the groups gnomAD compares: African/African-American, 0.0027%; no homozygotes.

Submissions (3):

Labcorp Genetics (formerly Invitae), Labcorp
Classification: Uncertain significance. Last evaluated: 2022-10-19. Review status: criteria provided, single submitter. Criteria: Invitae Variant Classification Sherloc (09022015). Collection method: clinical testing. Allele origin: germline.
Comment: In summary, the available evidence is currently insufficient to determine the role of this variant in disease. Therefore, it has been classified as a Variant of Uncertain Significance. Advanced modeling of protein sequence and biophysical properties (such as structural, functional, and spatial information, amino acid conservation, physicochemical variation, residue mobility, and thermodynamic stability) performed at Invitae indicates that this missense variant is expected to disrupt PROM1 protein function. ClinVar contains an entry for this variant (Variation ID: 560485). This variant has not been reported in the literature in individuals affected with PROM1-related conditions. The frequency data for this variant in the population databases is considered unreliable, as metrics indicate poor data quality at this position in the gnomAD database. This sequence change replaces lysine, which is basic and polar, with arginine, which is basic and polar, at codon 817 of the PROM1 protein (p.Lys817Arg).

Institute of Human Genetics, Univ. Regensburg, Univ. Regensburg
Classification: Uncertain significance for Retinal dystrophy. Last evaluated: 2019-01-01. Review status: no assertion criteria provided. Criteria: ACMG Guidelines, 2015. Collection method: clinical testing. Allele origin: germline. Affected: yes. Not counted in ClinVar's aggregate classification.

Joint Genome Diagnostic Labs from Nijmegen and Maastricht, Radboudumc and MUMC+
Classification: Uncertain significance for Retinitis pigmentosa 41. Last evaluated: 2016-09-01. Review status: no assertion criteria provided. Collection method: clinical testing. Allele origin: inherited. Affected: yes. Observed: 1 variant allele. Not counted in ClinVar's aggregate classification.